The following is an entry in ClinVar:

ClinVar aggregate classification (germline): Pathogenic (1 of 4 stars; one submission).

Submission:

Labcorp Genetics (formerly Invitae), Labcorp
Classification: Pathogenic. Last evaluated: 2022-06-13. Review status: criteria provided, single submitter. Criteria: Invitae Variant Classification Sherloc (09022015). Collection method: clinical testing. Allele origin: germline.
Comment: For these reasons, this variant has been classified as Pathogenic. ClinVar contains an entry for this variant (Variation ID: 1072636). This variant has not been reported in the literature in individuals affected with MYO7A-related conditions. This variant is not present in population databases (gnomAD no frequency). This sequence change creates a premature translational stop signal (p.Leu1508Serfs*27) in the MYO7A gene. It is expected to result in an absent or disrupted protein product. Loss-of-function variants in MYO7A are known to be pathogenic (PMID: 8900236, 25404053).

Literature cited by the submitters: PubMed 8900236; PubMed 25404053.

NM_000260.4(MYO7A):c.4521_4522del (p.Leu1508fs)

Gene: MYO7A (myosin VIIA; plus strand). Cytogenetic location: 11q13.5.
Variant type: Deletion.
Coding change: c.4521_4522del on transcript NM_000260.4 (MANE Select); coding-DNA positions 4521 to 4522, 2 bases deleted (AC; older notation c.4521_4522delAC).
Protein change: p.Leu1508fs; shifts the reading frame from leucine 1508.
Molecular consequence: frameshift variant.
Genome position (GRCh38, 1-based): chr11:77,198,574-77,198,575, AC deleted. VCF-style (leftmost placement, unchanged base first): chr11-77198573-TAC-T. GRCh37 (hg19) VCF-style: chr11-76909618-TAC-T.
Other names: c.4521_4522del, p.Leu1508fs (NM_001127180.2); c.4488_4489del, p.Leu1497fs (NM_001369365.1); short protein forms L1497fs, L1508fs.
Identifiers: ClinVar variation 1072636 (VCV001072636.7), dbSNP rs2135670160, ClinGen allele CA2499221335.
Genomic context (GRCh38, chr11:77,198,573, plus strand): 5'-ACGACGTCATCGTGGCCGTCAACTGGACGGGTGTGTACTTTGTGGATGAGCAGGAGCAGG[TAC>T]TTCTGGAGCTGTCCTTCCCAGAGATCATGGCCGTGTCCAGCAGCAGGTGAGGAGGCCCGC-3'